The following is an entry in ClinVar:

NM_024685.4(BBS10):c.1182A>C (p.Pro394=)

Gene: BBS10 (Bardet-Biedl syndrome 10; minus strand). Cytogenetic location: 12q21.2.
Variant type: single nucleotide variant.
Coding change: c.1182A>C on transcript NM_024685.4 (MANE Select); coding-DNA position 1182, A replaced by C.
Protein change: p.Pro394=; no amino-acid change (proline 394 retained).
Molecular consequence: synonymous variant.
Genome position (GRCh38, 1-based): chr12:76,346,803, T>G on the plus strand (A>C on the coding strand, the complement: BBS10 is on the minus strand). VCF-style: chr12-76346803-T-G. GRCh37 (hg19) VCF-style: chr12-76740583-T-G.
Identifiers: ClinVar variation 4996767 (VCV004996767.1).

ClinVar aggregate classification (germline): Likely benign (1 of 4 stars; one submission).

Conditions:
BBS10-related disorder. Also called: BBS10-related condition.

Submission:

PreventionGenetics, part of Exact Sciences
Classification: Likely benign for BBS10-related condition. Last evaluated: 2025-03-06. Review status: criteria provided, single submitter. Criteria: ACMG Guidelines, 2015. Collection method: clinical testing. Allele origin: germline.
Comment: This variant is classified as likely benign based on ACMG/AMP sequence variant interpretation guidelines (Richards et al. 2015 PMID: 25741868, with internal and published modifications).